The following is an entry in ClinVar:

ClinVar aggregate classification (germline): Uncertain significance. Review status: criteria provided, multiple submitters, no conflicts (2 of 4 stars). 4 submissions from 4 submitters: Uncertain significance (4). Last evaluated 2024-03-12.

Conditions:
Peripheral neuropathy, autosomal recessive, with or without impaired intellectual development. Identifiers: MedGen C4748283, MONDO:0029131, OMIM 618124.
Inborn genetic diseases. Identifiers: MedGen C0950123, MeSH D030342.

Allele frequency attached by ClinVar (database versions not stated): ExAC 0.00002; gnomAD exomes 0.00002; gnomAD 0.00004 and 0.00005; 1000 Genomes Project 30x 0.00016; 1000 Genomes Project 0.00020.
gnomAD v4.1: 37 of 1,614,232 alleles (0.0023%); highest among the groups gnomAD compares: African/African-American, 0.008%; no homozygotes.

Submissions (4):

Broad Center for Mendelian Genomics, Broad Institute of MIT and Harvard
Classification: Uncertain significance for Peripheral neuropathy, autosomal recessive, with or without impaired intellectual development. Last evaluated: 2024-03-12. Review status: criteria provided, single submitter. Criteria: ACMG Guidelines, 2015. Collection method: curation. Allele origin: germline. Inheritance: Autosomal recessive inheritance.
Comment: Trio genome analysis revealed that this variant was in trans with a variant of uncertain significance (NC_000021.9:g.46243645G>A). The p.Arg1596His variant in MCM3AP has not been previously reported in the literature in individuals with autosomal recessive peripheral neuropathy with or without impaired intellectual development but has been identified in 0.01% (2/18394) of East Asian chromosomes by the Genome Aggregation Database (gnomAD; dbSNP ID: rs541319271). Although this variant has been seen in the general population in a heterozygous state, its frequency is low enough to be consistent with a recessive carrier frequency. This variant has also been reported in ClinVar (Variation ID: 1366532) and has been interpreted as a variant of uncertain significance by Invitae and the CeGaT Center for Human Genetics Tuebingen. Computational prediction tools, including splice predictors, and conservation analyses suggest that this variant may not impact the protein, though this information is not predictive enough to rule out pathogenicity. In summary, the clinical significance of the p.Arg1596His variant is uncertain. ACMG/AMP Criteria applied: PM2_Supporting, BP4 (Richards 2015).

Ambry Genetics
Classification: Uncertain significance for Inborn genetic diseases. Last evaluated: 2023-05-04. Review status: criteria provided, single submitter. Criteria: Ambry Variant Classification Scheme 2023. Collection method: clinical testing. Allele origin: germline.

Labcorp Genetics (formerly Invitae), Labcorp
Classification: Uncertain significance. Last evaluated: 2022-08-07. Review status: criteria provided, single submitter. Criteria: Invitae Variant Classification Sherloc (09022015). Collection method: clinical testing. Allele origin: germline.
Comment: This sequence change replaces arginine, which is basic and polar, with histidine, which is basic and polar, at codon 1596 of the MCM3AP protein (p.Arg1596His). This variant is present in population databases (rs541319271, gnomAD 0.01%). This variant has not been reported in the literature in individuals affected with MCM3AP-related conditions. ClinVar contains an entry for this variant (Variation ID: 1366532). Algorithms developed to predict the effect of missense changes on protein structure and function output the following: SIFT: "Deleterious"; PolyPhen-2: "Benign"; Align-GVGD: "Class C0". The histidine amino acid residue is found in multiple mammalian species, which suggests that this missense change does not adversely affect protein function. In summary, the available evidence is currently insufficient to determine the role of this variant in disease. Therefore, it has been classified as a Variant of Uncertain Significance.

CeGaT Center for Human Genetics Tuebingen
Classification: Uncertain significance. Last evaluated: 2022-04-01. Review status: criteria provided, single submitter. Criteria: CeGaT Center For Human Genetics Tuebingen Variant Classification Criteria Version 2. Collection method: clinical testing. Allele origin: germline. Affected: yes. Observed: 1 variant allele.
Comment: MCM3AP: PM2, BP4

Literature cited by the submitters: PubMed 39033378 (cited by Broad Center for Mendelian Genomics, Broad Institute of MIT and Harvard).

NM_003906.5(MCM3AP):c.4787G>A (p.Arg1596His)

Genes: MCM3AP (minichromosome maintenance complex component 3 associated protein; minus strand), MCM3AP-AS1 (MCM3AP antisense RNA 1; plus strand). Cytogenetic location: 21q22.3.
Variant type: single nucleotide variant.
Coding change: c.4787G>A on transcript NM_003906.5 (MANE Select); coding-DNA position 4787, G replaced by A.
Protein change: p.Arg1596His; replaces arginine 1596 with histidine.
Molecular consequence: missense variant.
Genome position (GRCh38, 1-based): chr21:46,245,058, C>T on the plus strand (G>A on the coding strand, the complement: MCM3AP is on the minus strand). VCF-style: chr21-46245058-C-T. GRCh37 (hg19) VCF-style: chr21-47664972-C-T.
Other names: NM_003906.5(MCM3AP):c.4787G>A; p.Arg1596His; c.4787G>A (NM_003906.3); short protein forms R1596H.
Identifiers: ClinVar variation 1366532 (VCV001366532.36), dbSNP rs541319271, ClinGen allele CA10076013.
Genomic context (GRCh38, chr21:46,245,058, plus strand): 5'-AGCACACTGTTAAACAGCTCAATGATGGCGCCAGGCTCCTGAGAAGCAAGACCGCCCAGA[C>T]GCCTCTCTCTTCTGTCATGGAAAAAGCGGCCACTAAACTCATGGCCAATCCCGTCTTCGA-3'
Protein context (NP_003897.2, residues 1586-1606): GRFFHDRRER[Arg1596His]LGGLASQEPG